The following is an entry in ClinVar:

NM_001710.6(CFB):c.510C>G (p.Ile170Met)

Gene: CFB (complement factor B; plus strand). Cytogenetic location: 6p21.33.
Variant type: single nucleotide variant.
Coding change: c.510C>G on transcript NM_001710.6 (MANE Select); coding-DNA position 510, C replaced by G.
Protein change: p.Ile170Met; replaces isoleucine 170 with methionine.
Molecular consequence: missense variant.
Genome position (GRCh38, 1-based): chr6:31,947,373, C>G. VCF-style: chr6-31947373-C-G. GRCh37 (hg19) VCF-style: chr6-31915150-C-G.
Other names: short protein forms I170M.
Identifiers: ClinVar variation 1721015 (VCV001721015.5), dbSNP rs770945324, ClinGen allele CA363392312.

ClinVar aggregate classification (germline): Uncertain significance (1 of 4 stars; one submission).

Submission:

Labcorp Genetics (formerly Invitae), Labcorp
Classification: Uncertain significance. Last evaluated: 2022-10-05. Review status: criteria provided, single submitter. Criteria: Invitae Variant Classification Sherloc (09022015). Collection method: clinical testing. Allele origin: germline.
Comment: This variant is not present in population databases (gnomAD no frequency). In summary, the available evidence is currently insufficient to determine the role of this variant in disease. Therefore, it has been classified as a Variant of Uncertain Significance. Advanced modeling of protein sequence and biophysical properties (such as structural, functional, and spatial information, amino acid conservation, physicochemical variation, residue mobility, and thermodynamic stability) performed at Invitae indicates that this missense variant is expected to disrupt CFB protein function. This variant has not been reported in the literature in individuals affected with CFB-related conditions. This sequence change replaces isoleucine, which is neutral and non-polar, with methionine, which is neutral and non-polar, at codon 170 of the CFB protein (p.Ile170Met).